The following is an entry in ClinVar:

NM_006231.4(POLE):c.6637del (p.Ala2213fs)

Gene: POLE (DNA polymerase epsilon, catalytic subunit; minus strand). Cytogenetic location: 12q24.33.
Variant type: Deletion.
Coding change: c.6637del on transcript NM_006231.4 (MANE Select); coding-DNA position 6637, one base deleted (G; older notation c.6637delG).
Protein change: p.Ala2213fs; shifts the reading frame from alanine 2213.
Molecular consequence: frameshift variant.
Genome position (GRCh38, 1-based): chr12:132,625,665, C deleted on the plus strand (G on the coding strand, the reverse complement: POLE is on the minus strand); the first of 2 consecutive C bases (chr12:132,625,665-132,625,666); deleting either gives the same sequence. VCF-style (leftmost placement, unchanged base first): chr12-132625664-GC-G. GRCh37 (hg19) VCF-style: chr12-133202250-GC-G.
Other names: short protein forms A2213fs.
Identifiers: ClinVar variation 4724390 (VCV004724390.1).

ClinVar aggregate classification (germline): Pathogenic (1 of 4 stars; one submission).

Submission:

Labcorp Genetics (formerly Invitae), Labcorp
Classification: Pathogenic. Last evaluated: 2025-07-30. Review status: criteria provided, single submitter. Criteria: Invitae Variant Classification Sherloc (09022015). Collection method: clinical testing. Allele origin: germline.
Comment: This sequence change creates a premature translational stop signal (p.Ala2213Profs*10) in the POLE gene. It is expected to result in an absent or disrupted protein product. Loss-of-function variants in POLE are known to be pathogenic (PMID: 23230001, 25948378, 30503519). This variant is not present in population databases (gnomAD no frequency). This variant has not been reported in the literature in individuals affected with POLE-related conditions. For these reasons, this variant has been classified as Pathogenic.

Literature cited by the submitters: PubMed 23230001; PubMed 25948378; PubMed 30503519.